The following is an entry in ClinVar:

NM_023110.3(FGFR1):c.1279G>A (p.Val427Ile)

Gene: FGFR1 (fibroblast growth factor receptor 1; minus strand). Cytogenetic location: 8p11.23.
Variant type: single nucleotide variant.
Coding change: c.1279G>A on transcript NM_023110.3 (MANE Select); coding-DNA position 1279, G replaced by A.
Protein change: p.Val427Ile; replaces valine 427 with isoleucine.
Molecular consequence: missense variant. On other transcripts: splice donor variant (5).
Genome position (GRCh38, 1-based): chr8:38,419,538, C>T on the plus strand (G>A on the coding strand, the complement: FGFR1 is on the minus strand). VCF-style: chr8-38419538-C-T. GRCh37 (hg19) VCF-style: chr8-38277056-C-T.
Other names: c.1279G>A, p.Val427Ile (NM_000604.2); c.1273G>A, p.Val425Ile (NM_001174065.2, NM_001354367.2, NM_015850.4); c.1012G>A, p.Val338Ile (NM_001174066.2, NM_023105.3); c.1372G>A, p.Val458Ile (NM_001174067.2); c.1006G>A, p.Val336Ile (NM_001354370.2, NM_023106.3); c.1005+1G>A (NM_001354368.2); c.1278+1G>A (NM_001174063.2); c.1254+1G>A (NM_001174064.2); and 1 more; short protein forms V336I, V338I, V425I, V427I, V458I.
Identifiers: ClinVar variation 1310848 (VCV001310848.2), dbSNP rs2150704224, ClinGen allele CA370733503.

ClinVar aggregate classification (germline): Uncertain significance (1 of 4 stars; one submission).

Submission:

GeneDx
Classification: Uncertain significance. Last evaluated: 2019-12-09. Review status: criteria provided, single submitter. Criteria: GeneDx Variant Classification Process June 2021. Collection method: clinical testing. Allele origin: germline. Affected: yes.
Comment: Not observed in large population cohorts (Lek et al., 2016); In silico analysis, which includes protein predictors and evolutionary conservation, supports that this variant does not alter protein structure/function; In-silico analysis, which includes splice predictors and evolutionary conservation, is inconclusive as to whether the variant alters gene splicing. In the absence of RNA/functional studies, the actual effect of this sequence change is unknown.; Has not been previously published as pathogenic or benign to our knowledge